The following is an entry in ClinVar:

ClinVar aggregate classification (germline): Uncertain significance (1 of 4 stars; one submission).

Conditions:
Alstrom syndrome (ALMS). Identifiers: Orphanet 64, MedGen C0268425, MONDO:0008763, OMIM 203800.

Submission:

Labcorp Genetics (formerly Invitae), Labcorp
Classification: Uncertain significance for Alstrom syndrome. Last evaluated: 2022-05-05. Review status: criteria provided, single submitter. Criteria: Invitae Variant Classification Sherloc (09022015). Collection method: clinical testing. Allele origin: germline.
Comment: This variant has not been reported in the literature in individuals affected with ALMS1-related conditions. In summary, the available evidence is currently insufficient to determine the role of this variant in disease. Therefore, it has been classified as a Variant of Uncertain Significance. Experimental studies and prediction algorithms are not available or were not evaluated, and the functional significance of this variant is currently unknown. This variant is not present in population databases (gnomAD no frequency). This sequence change replaces asparagine, which is neutral and polar, with tyrosine, which is neutral and polar, at codon 2760 of the ALMS1 protein (p.Asn2760Tyr).

NM_001378454.1(ALMS1):c.8275A>T (p.Asn2759Tyr)

Gene: ALMS1 (ALMS1 centrosome and basal body associated protein; plus strand). Cytogenetic location: 2p13.1.
Variant type: single nucleotide variant.
Coding change: c.8275A>T on transcript NM_001378454.1 (MANE Select); coding-DNA position 8275, A replaced by T.
Protein change: p.Asn2759Tyr; replaces asparagine 2759 with tyrosine.
Molecular consequence: missense variant.
Genome position (GRCh38, 1-based): chr2:73,490,234, A>T. VCF-style: chr2-73490234-A-T. GRCh37 (hg19) VCF-style: chr2-73717361-A-T.
Other names: c.8278A>T, p.Asn2760Tyr (NM_015120.4); short protein forms N2759Y, N2760Y.
Identifiers: ClinVar variation 2134311 (VCV002134311.4), dbSNP rs2466215129, ClinGen allele CA347268087.
Genomic context (GRCh38, chr2:73,490,234, plus strand): 5'-GGTAGCCAGTGTACTGGAGCATCTGTGGGGGTATTTAATTCTCATTTCACTGAAGAACAA[A>T]ATCCTCCCAGAGATCTTAAACAGAAAACCTCTTCCCCTTCATCATTTAAAATGCATAGTA-3'
Protein context (NP_001365383.1, residues 2749-2769): VFNSHFTEEQ[Asn2759Tyr]PPRDLKQKTS